The following is an entry in ClinVar:

ClinVar aggregate classification (germline): Uncertain significance (1 of 4 stars; one submission).

Submission:

Labcorp Genetics (formerly Invitae), Labcorp
Classification: Uncertain significance. Last evaluated: 2024-08-21. Review status: criteria provided, single submitter. Criteria: Invitae Variant Classification Sherloc (09022015). Collection method: clinical testing. Allele origin: germline.
Comment: This sequence change replaces serine, which is neutral and polar, with isoleucine, which is neutral and non-polar, at codon 3020 of the UNC80 protein (p.Ser3020Ile). This variant also falls at the last nucleotide of exon 59, which is part of the consensus splice site for this exon. This variant is not present in population databases (gnomAD no frequency). This variant has not been reported in the literature in individuals affected with UNC80-related conditions. An algorithm developed to predict the effect of missense changes on protein structure and function (PolyPhen-2) suggests that this variant is likely to be disruptive. Variants that disrupt the consensus splice site are a relatively common cause of aberrant splicing (PMID: 17576681, 9536098). Algorithms developed to predict the effect of sequence changes on RNA splicing suggest that this variant may disrupt the consensus splice site. In summary, the available evidence is currently insufficient to determine the role of this variant in disease. Therefore, it has been classified as a Variant of Uncertain Significance.

Literature cited by the submitters: PubMed 17576681; PubMed 9536098.

NM_001371986.1(UNC80):c.9257G>T (p.Ser3086Ile)

Gene: UNC80 (unc-80 subunit of NALCN channel complex; plus strand). Cytogenetic location: 2q34.
Variant type: single nucleotide variant.
Coding change: c.9257G>T on transcript NM_001371986.1 (MANE Select); coding-DNA position 9257, G replaced by T.
Protein change: p.Ser3086Ile; replaces serine 3086 with isoleucine.
Molecular consequence: missense variant.
Genome position (GRCh38, 1-based): chr2:209,982,317, G>T. VCF-style: chr2-209982317-G-T. GRCh37 (hg19) VCF-style: chr2-210847041-G-T.
Other names: c.9059G>T, p.Ser3020Ile (NM_032504.2); c.9044G>T, p.Arg3015Met (NM_182587.4); short protein forms R3015M, S3020I, S3086I.
Identifiers: ClinVar variation 3663090 (VCV003663090.2).